The following is an entry in ClinVar:

NM_020435.4(GJC2):c.970_971dup (p.Ala325fs)

Gene: GJC2 (gap junction protein gamma 2; plus strand). Cytogenetic location: 1q42.13.
Variant type: Duplication.
Coding change: c.970_971dup on transcript NM_020435.4 (MANE Select); coding-DNA positions 970 to 971, 2 bases duplicated (GC; older notation c.970_971dupGC).
Protein change: p.Ala325fs; shifts the reading frame from alanine 325.
Molecular consequence: frameshift variant.
Genome position (GRCh38, 1-based): chr1:228,158,728-228,158,729, GC duplicated. VCF-style (leftmost placement, unchanged base first): chr1-228158727-G-GGC. GRCh37 (hg19) VCF-style: chr1-228346428-G-GGC.
Other names: c.970_971dupGC (NM_020435.3, NM_020435.4); c.970_971dup (NM_020435.3); short protein forms A325fs.
Identifiers: ClinVar variation 426207 (VCV000426207.67), dbSNP rs1085307499, ClinGen allele CA645293932.
Genomic context (GRCh38, chr1:228,158,727, plus strand): 5'-CCCCCCGGCCTCCGCCCCCGCCCCCGCGCCGCGGCCCCCGCCCTGCGCCTTCCCTGCGGC[G>GGC]GCCGCTGGCTTGGCCTGCCCGCCCGACTACAGCCTGGTGGTGCGGGCGGCCGAGCGCGCT-3'

ClinVar aggregate classification (germline): Pathogenic/Likely pathogenic. Review status: criteria provided, multiple submitters, no conflicts (2 of 4 stars). 6 submissions from 6 submitters: Pathogenic (4); Likely pathogenic (2). Last evaluated 2025-08-03.

Conditions:
Spastic paraplegia. Identifiers: MedGen C0037772, HP:0001258.
Leukodystrophy, hypomyelinating, 2. Also called: PELIZAEUS-MERZBACHER-LIKE DISEASE, 1. Identifiers: Orphanet 280270, Orphanet 280282, MedGen C1837355, MONDO:0012125, OMIM 608804.
Abnormality of the nervous system. Also called: Congenital nervous system disorder. Identifiers: MedGen C0497552, MONDO:0002320, HP:0000707.

Allele frequency attached by ClinVar (database versions not stated): TOPMed below 0.00001; gnomAD exomes 0.00001.

Submissions (6):

Labcorp Genetics (formerly Invitae), Labcorp
Classification: Pathogenic for Spastic paraplegia. Last evaluated: 2025-08-03. Review status: criteria provided, single submitter. Criteria: Invitae Variant Classification Sherloc (09022015). Collection method: clinical testing. Allele origin: germline.
Comment: This sequence change is expected to alter the c-terminus of the GJC2 protein (p.Ala325Profs*147). While this is not anticipated to result in nonsense mediated decay, it is expected to disrupt the last 115 amino acid(s) of the GJC2 protein and extend the protein by 31 additional amino acid residues. This variant is not present in population databases (gnomAD no frequency). This frameshift has been observed in individual(s) with autosomal recessive GJC2-related conditions (PMID: 18094336, 38374194). ClinVar contains an entry for this variant (Variation ID: 426207). This variant disrupts a region of the GJC2 protein in which other variant(s) (p.Pro330Argfs*141) have been determined to be pathogenic (PMID: 15192806, 31270756). This suggests that this is a clinically significant region of the protein, and that variants that disrupt it are likely to be disease-causing. For these reasons, this variant has been classified as Pathogenic.

GeneDx
Classification: Likely pathogenic. Last evaluated: 2022-11-29. Review status: criteria provided, single submitter. Criteria: GeneDx Variant Classification Process June 2021. Collection method: clinical testing. Allele origin: germline. Affected: yes.
Comment: Frameshift variant predicted to result in protein truncation, as the last 115 amino acids are replaced with 146 different amino acids, and other loss-of-function variants have been reported downstream in HGMD; Not observed at significant frequency in large population cohorts (gnomAD); This variant is associated with the following publications: (PMID: 18094336)

3billion
Classification: Pathogenic for Leukodystrophy, hypomyelinating, 2. Last evaluated: 2022-05-22. Review status: criteria provided, single submitter. Criteria: ACMG Guidelines, 2015. Collection method: clinical testing. Allele origin: germline. Affected: yes. Observed: 1 homozygote.
Comment: The variant is not observed in the gnomAD v2.1.1 dataset. Frameshift: predicted to result in a loss or disruption of normal protein function through protein truncation. Multiple pathogenic variants are reported in the predicted truncated region. The variant has been reported at least twice as pathogenic with clinical assertions and evidence for the classification (ClinVar ID: VCV000426207 / PMID: 18094336). Therefore, this variant is classified as pathogenic according to the recommendation of ACMG/AMP guideline.

Kariminejad - Najmabadi Pathology & Genetics Center
Classification: Likely pathogenic for Abnormality of the nervous system. Last evaluated: 2021-07-10. Review status: criteria provided, single submitter. Criteria: ACMG Guidelines, 2015. Collection method: clinical testing. Allele origin: germline.

Molecular Diagnostics Lab, Nemours Children's Health, Delaware
Classification: Pathogenic for Leukodystrophy, hypomyelinating, 2. Last evaluated: 2021-06-29. Review status: criteria provided, single submitter. Criteria: ACMG Guidelines, 2015. Collection method: clinical testing. Allele origin: unknown. Inheritance: Autosomal recessive inheritance. Affected: yes. Observed: 4 compound heterozygotes.
Comment: This variant has not been observed in population databases (gnomAD) but the change has been reported in the literature (PMID 18094336). It predicts a frameshift to a premature termination, and was found in two affected siblings who also carry the nonsense variant c.790A>T (p.Lys264*, likely pathogenic).

CeGaT Center for Human Genetics Tuebingen
Classification: Pathogenic. Last evaluated: 2019-09-01. Review status: criteria provided, single submitter. Criteria: CeGaT Center For Human Genetics Tuebingen Variant Classification Criteria Version 2. Collection method: clinical testing. Allele origin: germline. Affected: yes. Observed: 3 variant alleles.

Literature cited by the submitters: PubMed 18094336 (cited by Labcorp Genetics (formerly Invitae), Labcorp and 3billion); PubMed 38374194 (cited by Labcorp Genetics (formerly Invitae), Labcorp); PubMed 15192806 (cited by Labcorp Genetics (formerly Invitae), Labcorp); PubMed 31270756 (cited by Labcorp Genetics (formerly Invitae), Labcorp).